The following is an entry in ClinVar:

NC_000021.8:g.(?_46923350)_(46925317_?)del

Gene: COL18A1 (collagen type XVIII alpha 1 chain; plus strand). Cytogenetic location: 21q22.3.
Variant type: Deletion.
Identifiers: ClinVar variation 3248213 (VCV003248213.1).

ClinVar aggregate classification (germline): Likely pathogenic (1 of 4 stars; one submission).

Submission:

Labcorp Genetics (formerly Invitae), Labcorp
Classification: Likely pathogenic. Last evaluated: 2023-07-18. Review status: criteria provided, single submitter. Criteria: Invitae Variant Classification Sherloc (09022015). Collection method: clinical testing. Allele origin: unknown.
Comment: In summary, the currently available evidence indicates that the variant is pathogenic, but additional data are needed to prove that conclusively. Therefore, this variant has been classified as Likely Pathogenic. This variant has not been reported in the literature in individuals affected with COL18A1-related conditions. This variant results in the deletion of exons 33-35 and part of exon 36 (c.2684-575_3050del) of the COL18A1 gene. It is expected to disrupt RNA splicing. Variants that disrupt the donor or acceptor splice site typically lead to a loss of protein function (PMID: 16199547), and loss-of-function variants in COL18A1 are known to be pathogenic (PMID: 12415512, 25456301).

Literature cited by the submitters: PubMed 16199547; PubMed 12415512; PubMed 25456301.